The following is an entry in ClinVar:

NM_003901.4(SGPL1):c.142G>A (p.Val48Met)

Gene: SGPL1 (sphingosine-1-phosphate lyase 1; plus strand). Cytogenetic location: 10q22.1.
Variant type: single nucleotide variant.
Coding change: c.142G>A on transcript NM_003901.4 (MANE Select); coding-DNA position 142, G replaced by A.
Protein change: p.Val48Met; replaces valine 48 with methionine.
Molecular consequence: missense variant.
Genome position (GRCh38, 1-based): chr10:70,844,587, G>A. VCF-style: chr10-70844587-G-A. GRCh37 (hg19) VCF-style: chr10-72604344-G-A.
Other names: short protein forms V48M.
Identifiers: ClinVar variation 2989894 (VCV002989894.1), dbSNP rs571636117, ClinGen allele CA5541090.

ClinVar aggregate classification (germline): Uncertain significance (1 of 4 stars; one submission).

Allele frequency attached by ClinVar (database versions not stated): gnomAD 0.00001; gnomAD exomes 0.00001; TOPMed 0.00001; ExAC 0.00002; 1000 Genomes Project 0.00020; 1000 Genomes Project 30x 0.00031.
gnomAD v4.1: 12 of 1,614,078 alleles (0.00074%); highest among the groups gnomAD compares: South Asian, 0.0022%; no homozygotes.

Submission:

Labcorp Genetics (formerly Invitae), Labcorp
Classification: Uncertain significance. Last evaluated: 2024-01-29. Review status: criteria provided, single submitter. Criteria: Invitae Variant Classification Sherloc (09022015). Collection method: clinical testing. Allele origin: germline.
Comment: This sequence change replaces valine, which is neutral and non-polar, with methionine, which is neutral and non-polar, at codon 48 of the SGPL1 protein (p.Val48Met). This variant is present in population databases (rs571636117, gnomAD 0.006%). This variant has not been reported in the literature in individuals affected with SGPL1-related conditions. An algorithm developed to predict the effect of missense changes on protein structure and function (PolyPhen-2) suggests that this variant¬†is likely to be tolerated. In summary, the available evidence is currently insufficient to determine the role of this variant in disease. Therefore, it has been classified as a Variant of Uncertain Significance.